The following is an entry in ClinVar:

ClinVar aggregate classification (germline): Pathogenic (1 of 4 stars; one submission).

Conditions:
Pheochromocytoma. Also called: MAX-Related Hereditary Paraganglioma-Pheochromocytoma Syndrome. Identifiers: Orphanet 29072, MedGen C0031511, MONDO:0008233, OMIM 171300, HP:0002666.
Pheochromocytoma/paraganglioma syndrome 4. Also called: PARAGANGLIOMA, FAMILIAL MALIGNANT; PARAGANGLIOMAS, HEREDITARY EXTRAADRENAL; PHEOCHROMOCYTOMA, FAMILIAL EXTRAADRENAL; SDHB-Related Hereditary Paraganglioma-Pheochromocytoma Syndrome (Paragangliomas 4); CAROTID BODY TUMORS AND MULTIPLE EXTRAADRENAL PHEOCHROMOCYTOMAS; SDHB-Related Hereditary Paraganglioma-Pheochromocytoma Syndrome. Identifiers: Orphanet 29072, MedGen C1861848, MONDO:0007273, OMIM 115310.
Gastrointestinal stromal tumor. Also called: Gastrointestinal stromal tumor, somatic; Gastrointestinal stroma tumor. Identifiers: Orphanet 44890, MedGen C0238198, MeSH D046152, MONDO:0011719, OMIM 606764, HP:0100723.

Submission:

Labcorp Genetics (formerly Invitae), Labcorp
Classification: Pathogenic for Gastrointestinal stromal tumor; Pheochromocytoma/paraganglioma syndrome 4; Pheochromocytoma. Last evaluated: 2018-10-31. Review status: criteria provided, single submitter. Criteria: Invitae Variant Classification Sherloc (09022015). Collection method: clinical testing. Allele origin: germline.
Comment: This sequence change creates a premature translational stop signal (p.Gly208Glufs*17) in the SDHB gene. It is expected to result in an absent or disrupted protein product. This variant is not present in population databases (ExAC no frequency). For these reasons, this variant has been classified as Pathogenic. Loss-of-function variants in SDHB are known to be pathogenic (PMID: 19454582, 19802898). This variant has not been reported in the literature in individuals with SDHB-related disease.

Literature cited by the submitters: PubMed 19454582; PubMed 19802898.

NM_003000.3(SDHB):c.609_622dup (p.Gly208fs)

Gene: SDHB (succinate dehydrogenase complex iron sulfur subunit B; minus strand). Cytogenetic location: 1p36.13.
Variant type: Duplication.
Coding change: c.609_622dup on transcript NM_003000.3 (MANE Select); coding-DNA positions 609 to 622, 14 bases duplicated (AGACAAATATCTGG).
Protein change: p.Gly208fs; shifts the reading frame from glycine 208.
Molecular consequence: frameshift variant.
Genome position (GRCh38, 1-based): chr1:17,023,993-17,024,006, CCAGATATTTGTCT duplicated on the plus strand (AGACAAATATCTGG on the coding strand, the reverse complement: SDHB is on the minus strand); duplicating any 14 consecutive bases within chr1:17,023,993-17,024,008 gives the same sequence; the c. name uses the placement nearest the transcript's 3' end. VCF-style (leftmost placement, unchanged base first): chr1-17023992-C-CCCAGATATTTGTCT. GRCh37 (hg19) VCF-style: chr1-17350487-C-CCCAGATATTTGTCT.
Other names: c.609_622dupAGACAAATATCTGG (NM_003000.2); short protein forms G208fs.
Identifiers: ClinVar variation 642173 (VCV000642173.6), dbSNP rs1570945796, ClinGen allele CA915941153.
Genomic context (GRCh38, chr1:17,023,992, plus strand): 5'-TGAGTTTCAATTTCTCTTAAAGCAATTAAGGAGCACCTCACCTGCATAAGAACTGCAGGC[C>CCCAGATATTTGTCT]CCAGATATTTGTCTCCGTTCCACCAGTAGCTGGGGCAGCTGGTGCTACAGCAGGCACAGA-3'